The following is an entry in ClinVar:

ClinVar aggregate classification (germline): Uncertain significance (1 of 4 stars; one submission).

Submission:

Labcorp Genetics (formerly Invitae), Labcorp
Classification: Uncertain significance. Last evaluated: 2025-10-30. Review status: criteria provided, single submitter. Criteria: Invitae Variant Classification Sherloc (09022015). Collection method: clinical testing. Allele origin: germline.
Comment: This sequence change replaces glycine, which is neutral and non-polar, with glutamic acid, which is acidic and polar, at codon 981 of the DUOX2 protein (p.Gly981Glu). This variant is not present in population databases (gnomAD no frequency). This missense change has been observed in individual(s) with congenital hypothyroidism (PMID: 38757580). Invitae Evidence Modeling of protein sequence and biophysical properties (such as structural, functional, and spatial information, amino acid conservation, physicochemical variation, residue mobility, and thermodynamic stability) indicates that this missense variant is not expected to disrupt DUOX2 protein function with a negative predictive value of 95%. In summary, the available evidence is currently insufficient to determine the role of this variant in disease. Therefore, it has been classified as a Variant of Uncertain Significance.

Literature cited by the submitters: PubMed 38757580.

NM_001363711.2(DUOX2):c.2942G>A (p.Gly981Glu)

Gene: DUOX2 (dual oxidase 2; minus strand). Cytogenetic location: 15q21.1.
Variant type: single nucleotide variant.
Coding change: c.2942G>A on transcript NM_001363711.2 (MANE Select); coding-DNA position 2942, G replaced by A.
Protein change: p.Gly981Glu; replaces glycine 981 with glutamic acid.
Molecular consequence: missense variant.
Genome position (GRCh38, 1-based): chr15:45,100,818, C>T on the plus strand (G>A on the coding strand, the complement: DUOX2 is on the minus strand). VCF-style: chr15-45100818-C-T. GRCh37 (hg19) VCF-style: chr15-45393016-C-T.
Other names: c.2942G>A, p.Gly981Glu (NM_014080.5); short protein forms G981E.
Identifiers: ClinVar variation 4798258 (VCV004798258.1).
Genomic context (GRCh38, chr15:45,100,818, plus strand): 5'-TTGCCAAACCTCTTCTTCAGTCCAGGGCCTCCCAGCTCTGGGGCTTCTGGGGCAGGGGGC[C>T]CCAGTCCCTGGGGGTGGGAGCTGAGAAAAAGAAATGGGGCTGTTCTCCCCTTGTCTTTGC-3'
Protein context (NP_001350640.1, residues 971-991): PGERSHPQGL[Gly981Glu]PPAPEAPELG